The following is an entry in ClinVar:

ClinVar aggregate classification (germline): Uncertain significance. Review status: criteria provided, multiple submitters, no conflicts (2 of 4 stars). 2 submissions from 2 submitters: Uncertain significance (2). Last evaluated 2024-03-29.

Allele frequency attached by ClinVar (database versions not stated): gnomAD exomes 0.00001.
gnomAD v4.1: 18 of 1,614,044 alleles (0.0011%); highest among the groups gnomAD compares: Non-Finnish European, 0.0014%; no homozygotes.

Submissions (2):

Labcorp Genetics (formerly Invitae), Labcorp
Classification: Uncertain significance. Last evaluated: 2024-03-29. Review status: criteria provided, single submitter. Criteria: Invitae Variant Classification Sherloc (09022015). Collection method: clinical testing. Allele origin: germline.
Comment: This sequence change replaces proline, which is neutral and non-polar, with alanine, which is neutral and non-polar, at codon 95 of the MCM4 protein (p.Pro95Ala). This variant is not present in population databases (gnomAD no frequency). This variant has not been reported in the literature in individuals affected with MCM4-related conditions. ClinVar contains an entry for this variant (Variation ID: 1954801). An algorithm developed to predict the effect of missense changes on protein structure and function (PolyPhen-2) suggests that this variant is likely to be disruptive. In summary, the available evidence is currently insufficient to determine the role of this variant in disease. Therefore, it has been classified as a Variant of Uncertain Significance.

Ambry Genetics
Classification: Uncertain significance. Last evaluated: 2023-10-17. Review status: criteria provided, single submitter. Criteria: Ambry Variant Classification Scheme 2023. Collection method: clinical testing. Allele origin: germline.

NM_182746.3(MCM4):c.283C>G (p.Pro95Ala)

Gene: MCM4 (minichromosome maintenance complex component 4; plus strand). Cytogenetic location: 8q11.21.
Variant type: single nucleotide variant.
Coding change: c.283C>G on transcript NM_182746.3 (MANE Select); coding-DNA position 283, C replaced by G.
Protein change: p.Pro95Ala; replaces proline 95 with alanine.
Molecular consequence: missense variant.
Genome position (GRCh38, 1-based): chr8:47,962,100, C>G. VCF-style: chr8-47962100-C-G. GRCh37 (hg19) VCF-style: chr8-48874660-C-G.
Other names: c.283C>G, p.Pro95Ala (NM_005914.4); c.283C>G (NM_005914.3); short protein forms P95A.
Identifiers: ClinVar variation 1954801 (VCV001954801.5), dbSNP rs911896888, ClinGen allele CA176154780.
Genomic context (GRCh38, chr8:47,962,100, plus strand): 5'-TTTGTTTTTATAGCTATCCCTCTTGACTTTGATGTTAGTTCACCACTGACATACGGCACT[C>G]CCAGCTCTCGGGTAGAGGGAACCCCAAGAAGTGGTGTTAGGGGCACACCTGTGAGACAGA-3'
Protein context (NP_877423.1, residues 85-105): DVSSPLTYGT[Pro95Ala]SSRVEGTPRS